The following is an entry in ClinVar:

ClinVar aggregate classification (germline): Uncertain significance (1 of 4 stars; one submission).

Allele frequency attached by ClinVar (database versions not stated): gnomAD exomes below 0.00001; gnomAD 0.00001; TOPMed 0.00001.
gnomAD v4.1: 3 of 1,577,674 alleles (0.00019%); highest among the groups gnomAD compares: Non-Finnish European, 0.00026%; no homozygotes.

Submission:

Labcorp Genetics (formerly Invitae), Labcorp
Classification: Uncertain significance. Last evaluated: 2020-05-23. Review status: criteria provided, single submitter. Criteria: Invitae Variant Classification Sherloc (09022015). Collection method: clinical testing. Allele origin: germline.
Comment: In summary, the available evidence is currently insufficient to determine the role of this variant in disease. Therefore, it has been classified as a Variant of Uncertain Significance. Algorithms developed to predict the effect of missense changes on protein structure and function are either unavailable or do not agree on the potential impact of this missense change (SIFT: "Deleterious"; PolyPhen-2: "Possibly Damaging"; Align-GVGD: "Class C0"). This variant has not been reported in the literature in individuals with RGS9BP-related conditions. This variant is not present in population databases (ExAC no frequency). This sequence change replaces aspartic acid with valine at codon 64 of the RGS9BP protein (p.Asp64Val). The aspartic acid residue is moderately conserved and there is a large physicochemical difference between aspartic acid and valine.

NM_207391.3(RGS9BP):c.191A>T (p.Asp64Val)

Gene: RGS9BP (regulator of G protein signaling 9 binding protein; plus strand). Cytogenetic location: 19q13.11.
Variant type: single nucleotide variant.
Coding change: c.191A>T on transcript NM_207391.3 (MANE Select); coding-DNA position 191, A replaced by T.
Protein change: p.Asp64Val; replaces aspartic acid 64 with valine.
Molecular consequence: missense variant.
Genome position (GRCh38, 1-based): chr19:32,676,454, A>T. VCF-style: chr19-32676454-A-T. GRCh37 (hg19) VCF-style: chr19-33167360-A-T.
Other names: short protein forms D64V.
Identifiers: ClinVar variation 1045956 (VCV001045956.8), dbSNP rs1447911984, ClinGen allele CA405185796.
Genomic context (GRCh38, chr19:32,676,454, plus strand): 5'-GCCAGAAGGCGCAGGAGCTGGCGGTGTCCACCTGCGCCCGGCTGACTGCTGTGCTGCGCG[A>T]CCGGGGCCTGGCCGCCGACGAGCGCGCCGAGTTCGAGCGGCTCTGGGTGGCCTTCTCGGG-3'
Protein context (NP_997274.2, residues 54-74): TCARLTAVLR[Asp64Val]RGLAADERAE